The following is an entry in ClinVar:

NM_004310.5(RHOH):c.510C>T (p.Ala170=)

Gene: RHOH (ras homolog family member H; plus strand). Cytogenetic location: 4p14.
Variant type: single nucleotide variant.
Coding change: c.510C>T on transcript NM_004310.5 (MANE Select); coding-DNA position 510, C replaced by T.
Protein change: p.Ala170=; no amino-acid change (alanine 170 retained).
Molecular consequence: synonymous variant.
Genome position (GRCh38, 1-based): chr4:40,243,896, C>T. VCF-style: chr4-40243896-C-T. GRCh37 (hg19) VCF-style: chr4-40245516-C-T.
Other names: c.510C>T, p.Ala170= (NM_001278359.2, NM_001278360.2, NM_001278361.2 and 8 more transcripts).
Identifiers: ClinVar variation 544157 (VCV000544157.14), dbSNP rs61731758, ClinGen allele CA2897779.

ClinVar aggregate classification (germline): Benign. Review status: criteria provided, multiple submitters, no conflicts (2 of 4 stars). 3 submissions from 3 submitters: Benign (2). 1 of the submissions does not count toward it. Last evaluated 2026-04-06.

Conditions:
RHOH-related disorder. Also called: RHOH-related condition.
T-cell immunodeficiency with epidermodysplasia verruciformis. Identifiers: Orphanet 324294, MedGen C4749500, MONDO:0017925.

Allele frequency attached by ClinVar (database versions not stated): TOPMed 0.00014; 1000 Genomes Project 0.00180; 1000 Genomes Project 30x 0.00219.
gnomAD v4.1: 916 of 1,614,106 alleles (0.057%); highest among the groups gnomAD compares: South Asian, 0.78%; 10 homozygotes.

Submissions (3):

Women's Health and Genetics/Laboratory Corporation of America, LabCorp
Classification: Benign. Last evaluated: 2026-04-06. Review status: criteria provided, single submitter. Criteria: LabCorp Variant Classification Summary - May 2015. Collection method: clinical testing. Allele origin: germline.

Labcorp Genetics (formerly Invitae), Labcorp
Classification: Benign for T-cell immunodeficiency with epidermodysplasia verruciformis. Last evaluated: 2026-01-12. Review status: criteria provided, single submitter. Criteria: Invitae Variant Classification Sherloc (09022015). Collection method: clinical testing. Allele origin: germline.

PreventionGenetics, part of Exact Sciences
Classification: Likely benign for RHOH-related condition. Last evaluated: 2019-02-21. Review status: no assertion criteria provided. Collection method: clinical testing. Allele origin: germline. Not counted in ClinVar's aggregate classification.
Comment: This variant is classified as likely benign based on ACMG/AMP sequence variant interpretation guidelines (Richards et al. 2015 PMID: 25741868, with internal and published modifications).